The following is an entry in ClinVar:

ClinVar aggregate classification (germline): Pathogenic (1 of 4 stars; one submission).

Conditions:
Retinitis pigmentosa 25 (RP25). Identifiers: Orphanet 791, MedGen C1864446, MONDO:0011272, OMIM 602772.

Submission:

Myriad Genetics, Inc.
Classification: Pathogenic for Retinitis pigmentosa 25. Last evaluated: 2024-10-28. Review status: criteria provided, single submitter. Criteria: Myriad Autosomal Dominant, Autosomal Recessive and X-Linked Classification Criteria (2023). Collection method: clinical testing. Allele origin: unknown.
Comment: NM_001142800.1(EYS):c.3572G>A(W1191*) is expected to be pathogenic in the context of retinitis pigmentosa, EYS-related. This variant is predicted to lead to an abnormal or absent protein product due to the creation of a premature termination codon in EYS, a gene where loss-of-function variants are known to be pathogenic. Please note: this variant was assessed in the context of healthy population screening.

NM_001142800.2(EYS):c.3572G>A (p.Trp1191Ter)

Gene: EYS (EGF-like photoreceptor maintenance factor; minus strand). Cytogenetic location: 6q12.
Variant type: single nucleotide variant.
Coding change: c.3572G>A on transcript NM_001142800.2 (MANE Select); coding-DNA position 3572, G replaced by A.
Protein change: p.Trp1191Ter; replaces tryptophan 1191 with a stop codon.
Molecular consequence: nonsense.
Genome position (GRCh38, 1-based): chr6:64,617,530, C>T on the plus strand (G>A on the coding strand, the complement: EYS is on the minus strand). VCF-style: chr6-64617530-C-T. GRCh37 (hg19) VCF-style: chr6-65327423-C-T.
Other names: c.3572G>A, p.Trp1191Ter (NM_001292009.2); short protein forms W1191*.
Identifiers: ClinVar variation 5013682 (VCV005013682.1).